The following is an entry in ClinVar:

NM_005634.3(SOX3):c.20A>G (p.Asn7Ser)

Genes: SOX3 (SRY-box transcription factor 3; minus strand), LOC108281134 (SOX3 promoter region; plus strand). Cytogenetic location: Xq27.1.
Variant type: single nucleotide variant.
Coding change: c.20A>G on transcript NM_005634.3 (MANE Select); coding-DNA position 20, A replaced by G.
Protein change: p.Asn7Ser; replaces asparagine 7 with serine.
Molecular consequence: missense variant.
Genome position (GRCh38, 1-based): chrX:140,505,041, T>C on the plus strand (A>G on the coding strand, the complement: SOX3 is on the minus strand). VCF-style: chrX-140505041-T-C. GRCh37 (hg19) VCF-style: chrX-139587206-T-C.
Other names: short protein forms N7S.
Identifiers: ClinVar variation 1034197 (VCV001034197.3), dbSNP rs1262847980, ClinGen allele CA414479645.
Genomic context (GRCh38, chrX:140,505,041, plus strand): 5'-CTTATCAAAATGCTCCGCGCCAAATCAGCAGGAACCCGCGGGCTTCTCGCACCTGATGAG[T>C]TCTCTCGAACAGGTCGCATTCACAGTCTGCCTGGGCTCTAGCTGGGCCCCTTATATACCT-3'
Protein context (NP_005625.2, residues 1-17): MRPVRE[Asn7Ser]SSGARSPRVP

ClinVar aggregate classification (germline): Uncertain significance. Review status: criteria provided, multiple submitters, no conflicts (2 of 4 stars). 3 submissions from 3 submitters: Uncertain significance (3). Last evaluated 2025-05-07.

Conditions:
Intellectual developmental disorder, X-linked, with panhypopituitarism. Also called: Intellectual disability, X-linked, with panhypopituitarism. Identifiers: MedGen C2678223, MONDO:0010252, OMIM 300123.

Allele frequency attached by ClinVar (database versions not stated): gnomAD exomes below 0.00001; gnomAD 0.00002; TOPMed 0.00006.

Submissions (3):

Labcorp Genetics (formerly Invitae), Labcorp
Classification: Uncertain significance. Last evaluated: 2025-05-07. Review status: criteria provided, single submitter. Criteria: Invitae Variant Classification Sherloc (09022015). Collection method: clinical testing. Allele origin: germline.
Comment: This sequence change replaces asparagine, which is neutral and polar, with serine, which is neutral and polar, at codon 7 of the SOX3 protein (p.Asn7Ser). This variant is not present in population databases (gnomAD no frequency). This variant has not been reported in the literature in individuals affected with SOX3-related conditions. ClinVar contains an entry for this variant (Variation ID: 1034197). An algorithm developed to predict the effect of missense changes on protein structure and function (PolyPhen-2) suggests that this variant is likely to be tolerated. In summary, the available evidence is currently insufficient to determine the role of this variant in disease. Therefore, it has been classified as a Variant of Uncertain Significance.

Ambry Genetics
Classification: Uncertain significance. Last evaluated: 2024-10-03. Review status: criteria provided, single submitter. Criteria: Ambry Variant Classification Scheme 2023. Collection method: clinical testing. Allele origin: germline.

Baylor Genetics
Classification: Uncertain significance for Intellectual developmental disorder, X-linked, with panhypopituitarism. Last evaluated: 2018-02-22. Review status: criteria provided, single submitter. Criteria: ACMG Guidelines, 2015. Collection method: clinical testing. Allele origin: unknown. Affected: yes.
Comment: This variant was determined to be of uncertain significance according to ACMG Guidelines, 2015 [PMID:25741868].